The following is an entry in ClinVar:

ClinVar aggregate classification (germline): Likely benign. Review status: criteria provided, multiple submitters, no conflicts (2 of 4 stars). 6 submissions from 6 submitters: Likely benign (5). 1 of the submissions does not count toward it. Last evaluated 2026-01-21.

Conditions:
HPS4-related disorder. Also called: HPS4-related condition.

Allele frequency attached by ClinVar (database versions not stated): ESP Exome Variant Server 0.00177; 1000 Genomes Project 30x 0.00062; TOPMed 0.00154.
gnomAD v4.1: 377 of 1,614,194 alleles (0.023%); highest among the groups gnomAD compares: African/African-American, 0.46%; no homozygotes.

Submissions (6):

Labcorp Genetics (formerly Invitae), Labcorp
Classification: Likely benign. Last evaluated: 2026-01-21. Review status: criteria provided, single submitter. Criteria: Invitae Variant Classification Sherloc (09022015). Collection method: clinical testing. Allele origin: germline.

Women's Health and Genetics/Laboratory Corporation of America, LabCorp
Classification: Likely benign. Last evaluated: 2024-07-12. Review status: criteria provided, single submitter. Criteria: LabCorp Variant Classification Summary - May 2015. Collection method: clinical testing. Allele origin: germline.
Comment: Variant summary: HPS4 c.320G>T (p.Arg107Leu) results in a non-conservative amino acid change located in the CCZ1/INTU/HSP4, first Longin domain (IPR043987) of the encoded protein sequence. Three of five in-silico tools predict a benign effect of the variant on protein function. The variant allele was found at a frequency of 0.00029 in 251470 control chromosomes, predominantly at a frequency of 0.0044 within the African or African-American subpopulation in the gnomAD database, including 1 homozygotes. The observed variant frequency within African or African-American control individuals in the gnomAD database is approximately 8.39 fold of the estimated maximal expected allele frequency for a pathogenic variant in HPS4 causing Hermansky-Pudlak Syndrome phenotype (0.00052). To our knowledge, no occurrence of c.320G>T in individuals affected with Hermansky-Pudlak Syndrome and no experimental evidence demonstrating its impact on protein function have been reported. ClinVar contains an entry for this variant (Variation ID: 666701). Based on the evidence outlined above, the variant was classified as likely benign.

Genetic Services Laboratory, University of Chicago
Classification: Likely benign. Last evaluated: 2019-12-04. Review status: criteria provided, single submitter. Criteria: ACMG Guidelines, 2015. Collection method: clinical testing. Allele origin: germline. Affected: no.

Laboratory for Molecular Medicine, Mass General Brigham Personalized Medicine
Classification: Likely benign. Last evaluated: 2013-02-21. Review status: criteria provided, single submitter. Criteria: LMM Criteria. Collection method: clinical testing. Allele origin: germline. Observed: 1 variant allele.
Comment: Arg107Leu in exon 5 of HPS4: This variant is not expected to have clinical signi ficance because it has been identified in 0.5% (23/4406) of African American chr omosomes from a broad population by the NHLBI Exome Sequencing Project (dbSNP rs138885334).

Breakthrough Genomics
Classification: Likely benign. Review status: criteria provided, single submitter. Criteria: ACMG Guidelines, 2015. Collection method: not provided. Allele origin: germline. Inheritance: Autosomal recessive inheritance. Affected: yes.

PreventionGenetics, part of Exact Sciences
Classification: Likely benign for HPS4-related condition. Last evaluated: 2020-03-18. Review status: no assertion criteria provided. Collection method: clinical testing. Allele origin: germline. Not counted in ClinVar's aggregate classification.
Comment: This variant is classified as likely benign based on ACMG/AMP sequence variant interpretation guidelines (Richards et al. 2015 PMID: 25741868, with internal and published modifications).

NM_022081.6(HPS4):c.320G>T (p.Arg107Leu)

Gene: HPS4 (HPS4 biogenesis of lysosomal organelles complex 3 subunit 2; minus strand). Cytogenetic location: 22q12.1.
Variant type: single nucleotide variant.
Coding change: c.320G>T on transcript NM_022081.6 (MANE Select); coding-DNA position 320, G replaced by T.
Protein change: p.Arg107Leu; replaces arginine 107 with leucine.
Molecular consequence: missense variant. On other transcripts: non-coding transcript variant (8).
Genome position (GRCh38, 1-based): chr22:26,472,896, C>A on the plus strand (G>T on the coding strand, the complement: HPS4 is on the minus strand). VCF-style: chr22-26472896-C-A. GRCh37 (hg19) VCF-style: chr22-26868862-C-A.
Other names: c.320G>T, p.Arg107Leu (NM_001349896.1, NM_001349898.2, NM_001349899.2 and 6 more transcripts); c.305G>T, p.Arg102Leu (NM_152841.2); short protein forms R102L, R107L.
Identifiers: ClinVar variation 666701 (VCV000666701.20), dbSNP rs138885334, ClinGen allele CA10163746.
Genomic context (GRCh38, chr22:26,472,896, plus strand): 5'-TAAGCTAGGGAAACAGGTCCATTGTAAAAATTAAAGAATCCAACTAGCTGATCCAGAAAC[C>A]GCTTGCAGCTGACATCAGGGAGCTCCACAGCACAGCCCAGCACCTGTAAAGAGAGAAACC-3'
Protein context (NP_071364.4, residues 97-117): AVELPDVSCK[Arg107Leu]FLDQLVGFFN